The following is an entry in ClinVar:

NM_001005498.4(RHBDF2):c.1637C>T (p.Pro546Leu)

Gene: RHBDF2 (rhomboid 5 homolog 2; minus strand). Cytogenetic location: 17q25.1.
Variant type: single nucleotide variant.
Coding change: c.1637C>T on transcript NM_001005498.4 (MANE Select); coding-DNA position 1637, C replaced by T.
Protein change: p.Pro546Leu; replaces proline 546 with leucine.
Molecular consequence: missense variant. On other transcripts: non-coding transcript variant (3).
Genome position (GRCh38, 1-based): chr17:76,473,840, G>A on the plus strand (C>T on the coding strand, the complement: RHBDF2 is on the minus strand). VCF-style: chr17-76473840-G-A. GRCh37 (hg19) VCF-style: chr17-74469922-G-A.
Other names: c.1637C>T, p.Pro546Leu (NM_001376228.1, NM_001376229.1, NM_001376230.1); c.1724C>T, p.Pro575Leu (NM_024599.5); short protein forms P546L, P575L.
Identifiers: ClinVar variation 1319626 (VCV001319626.9), dbSNP rs756654862, ClinGen allele CA8786925.

ClinVar aggregate classification (germline): Uncertain significance. Review status: criteria provided, multiple submitters, no conflicts (2 of 4 stars). 4 submissions from 4 submitters: Uncertain significance (4). Last evaluated 2025-12-23.

Conditions:
Palmoplantar keratoderma-esophageal carcinoma syndrome (TOC). Also called: KERATOSIS PALMARIS ET PLANTARIS WITH ESOPHAGEAL CANCER; PALMOPLANTAR KERATODERMA WITH ESOPHAGEAL CANCER; Tylosis with Esophageal Cancer. Identifiers: Orphanet 2198, MedGen C1835664, MONDO:0007856, OMIM 148500.

Allele frequency attached by ClinVar (database versions not stated): ExAC 0.00002; gnomAD 0.00004; gnomAD exomes 0.00003; TOPMed 0.00003.
gnomAD v4.1: 46 of 1,613,946 alleles (0.0029%); highest among the groups gnomAD compares: Middle Eastern, 0.016%; no homozygotes.

Submissions (4):

Dasa
Classification: Uncertain significance for Palmoplantar keratoderma-esophageal carcinoma syndrome. Last evaluated: 2025-12-23. Review status: criteria provided, single submitter. Criteria: DASA Assertion Criteria. Collection method: clinical testing. Allele origin: germline.
Comment: NM_001005498.4(RHBDF2):c.1637C>T (p.Pro546Leu) is a missense variant that results in the substitution of proline with leucine. This variant is rare in population databases. Computational prediction algorithms are consistent with a deleterious effect. The currently available literature and clinical evidence are not sufficient to establish a definitive association between this variant and the reported condition. Therefore, this variant is classified as a variant of uncertain significance.

Labcorp Genetics (formerly Invitae), Labcorp
Classification: Uncertain significance. Last evaluated: 2025-03-19. Review status: criteria provided, single submitter. Criteria: Invitae Variant Classification Sherloc (09022015). Collection method: clinical testing. Allele origin: germline.
Comment: This sequence change replaces proline, which is neutral and non-polar, with leucine, which is neutral and non-polar, at codon 575 of the RHBDF2 protein (p.Pro575Leu). This variant is present in population databases (rs756654862, gnomAD 0.006%). This variant has not been reported in the literature in individuals affected with RHBDF2-related conditions. ClinVar contains an entry for this variant (Variation ID: 1319626). An algorithm developed to predict the effect of missense changes on protein structure and function (PolyPhen-2) suggests that this variant is likely to be disruptive. In summary, the available evidence is currently insufficient to determine the role of this variant in disease. Therefore, it has been classified as a Variant of Uncertain Significance.

Baylor Genetics
Classification: Uncertain significance for Palmoplantar keratoderma-esophageal carcinoma syndrome. Last evaluated: 2024-01-24. Review status: criteria provided, single submitter. Criteria: ACMG Guidelines, 2015. Collection method: clinical testing. Allele origin: unknown.

Institute for Clinical Genetics, University Hospital TU Dresden, University Hospital TU Dresden
Classification: Uncertain significance. Last evaluated: 2021-11-03. Review status: criteria provided, single submitter. Criteria: ACMG Guidelines, 2015. Collection method: clinical testing. Allele origin: germline.